The following is an entry in ClinVar:

ClinVar aggregate classification (germline): Uncertain significance (1 of 4 stars; one submission).

Submission:

Labcorp Genetics (formerly Invitae), Labcorp
Classification: Uncertain significance. Last evaluated: 2024-05-18. Review status: criteria provided, single submitter. Criteria: Invitae Variant Classification Sherloc (09022015). Collection method: clinical testing. Allele origin: germline.
Comment: This sequence change replaces histidine, which is basic and polar, with glutamine, which is neutral and polar, at codon 400 of the GUCY2C protein (p.His400Gln). This variant is not present in population databases (gnomAD no frequency). This variant has not been reported in the literature in individuals affected with GUCY2C-related conditions. Advanced modeling of protein sequence and biophysical properties (such as structural, functional, and spatial information, amino acid conservation, physicochemical variation, residue mobility, and thermodynamic stability) performed at Invitae indicates that this missense variant is not expected to disrupt GUCY2C protein function with a negative predictive value of 80%. In summary, the available evidence is currently insufficient to determine the role of this variant in disease. Therefore, it has been classified as a Variant of Uncertain Significance.

NM_004963.4(GUCY2C):c.1200C>A (p.His400Gln)

Genes: GUCY2C (guanylate cyclase 2C; minus strand), GUCY2C-AS1 (GUCY2C antisense RNA 1; plus strand). Cytogenetic location: 12p12.3.
Variant type: single nucleotide variant.
Coding change: c.1200C>A on transcript NM_004963.4 (MANE Select); coding-DNA position 1200, C replaced by A.
Protein change: p.His400Gln; replaces histidine 400 with glutamine.
Molecular consequence: missense variant.
Genome position (GRCh38, 1-based): chr12:14,669,804, G>T on the plus strand (C>A on the coding strand, the complement: GUCY2C is on the minus strand). VCF-style: chr12-14669804-G-T. GRCh37 (hg19) VCF-style: chr12-14822738-G-T.
Other names: short protein forms H400Q.
Identifiers: ClinVar variation 3698540 (VCV003698540.2).
Genomic context (GRCh38, chr12:14,669,804, plus strand): 5'-AAGTTTAGAGTTCTTCCAAGTGAATGTGGGGCTCATATCCACAGGATAGGTCTTATTTAC[G>T]TGGGTATCATAGGTCAAAAGAACCTTGTACTGTGTCAGGGCACAAAAAAGAAAAAGGATG-3'
Protein context (NP_004954.2, residues 390-410): KYKVLLTYDT[His400Gln]VNKTYPVDMS